The following is an entry in ClinVar:

ClinVar aggregate classification (germline): Uncertain significance. Review status: criteria provided, multiple submitters, no conflicts (2 of 4 stars). 3 submissions from 3 submitters: Uncertain significance (3). Last evaluated 2024-08-28.

Conditions:
Hyperkalemic periodic paralysis. Also called: Familial hyperkalemic periodic paralysis; Gamstorp disease. Identifiers: Orphanet 682, MedGen C0238357, MONDO:0008224, OMIM 170500, HP:0007215.

Allele frequency attached by ClinVar (database versions not stated): TOPMed 0.00001.
gnomAD v4.1: 6 of 1,614,092 alleles (0.00037%); highest among the groups gnomAD compares: South Asian, 0.0022%; no homozygotes.

Submissions (3):

GeneDx
Classification: Uncertain significance. Last evaluated: 2024-08-28. Review status: criteria provided, single submitter. Criteria: GeneDx Variant Classification Process June 2021. Collection method: clinical testing. Allele origin: germline. Affected: yes.
Comment: Not observed at significant frequency in large population cohorts (gnomAD); In silico analysis indicates that this missense variant does not alter protein structure/function; Has not been previously published as pathogenic or benign to our knowledge

Labcorp Genetics (formerly Invitae), Labcorp
Classification: Uncertain significance for Hyperkalemic periodic paralysis. Last evaluated: 2023-06-27. Review status: criteria provided, single submitter. Criteria: Invitae Variant Classification Sherloc (09022015). Collection method: clinical testing. Allele origin: germline.
Comment: In summary, the available evidence is currently insufficient to determine the role of this variant in disease. Therefore, it has been classified as a Variant of Uncertain Significance. Advanced modeling of protein sequence and biophysical properties (such as structural, functional, and spatial information, amino acid conservation, physicochemical variation, residue mobility, and thermodynamic stability) performed at Invitae indicates that this missense variant is not expected to disrupt SCN4A protein function. ClinVar contains an entry for this variant (Variation ID: 805395). This variant has not been reported in the literature in individuals affected with SCN4A-related conditions. This variant is not present in population databases (gnomAD no frequency). This sequence change replaces glutamic acid, which is acidic and polar, with lysine, which is basic and polar, at codon 1531 of the SCN4A protein (p.Glu1531Lys).

Athena Diagnostics
Classification: Uncertain significance. Last evaluated: 2019-05-14. Review status: criteria provided, single submitter. Criteria: Athena Diagnostics Criteria. Collection method: clinical testing. Allele origin: germline.

NM_000334.4(SCN4A):c.4591G>A (p.Glu1531Lys)

Genes: GH-LCR (growth hormone locus control region; plus strand), SCN4A (sodium voltage-gated channel alpha subunit 4; minus strand). Cytogenetic location: 17q23.3.
Variant type: single nucleotide variant.
Coding change: c.4591G>A on transcript NM_000334.4 (MANE Select); coding-DNA position 4591, G replaced by A.
Protein change: p.Glu1531Lys; replaces glutamic acid 1531 with lysine.
Molecular consequence: missense variant.
Genome position (GRCh38, 1-based): chr17:63,941,691, C>T on the plus strand (G>A on the coding strand, the complement: SCN4A is on the minus strand). VCF-style: chr17-63941691-C-T. GRCh37 (hg19) VCF-style: chr17-62019051-C-T.
Other names: short protein forms E1531K.
Identifiers: ClinVar variation 805395 (VCV000805395.8), dbSNP rs1555600732, ClinGen allele CA400615678.